The following is an entry in ClinVar:

NM_170606.3(KMT2C):c.7443-5_7443-4dup

Gene: KMT2C (lysine methyltransferase 2C; minus strand). Cytogenetic location: 7q36.1.
Variant type: Duplication.
Coding change: c.7443-5_7443-4dup on transcript NM_170606.3 (MANE Select); 5 bases into the intron before coding-DNA position 7443 through 4 bases into the intron before coding-DNA position 7443, 2 bases duplicated (AA; older notation c.7443-5_7443-4dupAA).
Molecular consequence: splice acceptor variant.
Genome position (GRCh38, 1-based): chr7:152,178,012-152,178,013, TT duplicated on the plus strand (AA on the coding strand, the reverse complement: KMT2C is on the minus strand); duplicating any 2 consecutive bases within chr7:152,178,012-152,178,015 gives the same sequence; the c. name uses the placement nearest the transcript's 3' end. VCF-style (leftmost placement, unchanged base first): chr7-152178011-C-CTT. GRCh37 (hg19) VCF-style: chr7-151875096-C-CTT.
Identifiers: ClinVar variation 738570 (VCV000738570.10), dbSNP rs753425356, ClinGen allele CA4579828.
Genomic context (GRCh38, chr7:152,178,011, plus strand): 5'-GGCACAAGGAAGCGCTCTTGACTCGGCATGGTACCATGACTACCTCCTGGAAATCCAAAT[C>CTT]TTTTAAAAAAAAAAAAAAAAAAAAAAAAAAAGCAAATAGGTATTATGTTAAATTTAGAGT-3'

ClinVar aggregate classification (germline): Likely benign. Review status: criteria provided, multiple submitters, no conflicts (2 of 4 stars). 2 submissions from 2 submitters: Likely benign (2). Last evaluated 2026-05-01.

Submissions (2):

CeGaT Center for Human Genetics Tuebingen
Classification: Likely benign. Last evaluated: 2026-05-01. Review status: criteria provided, single submitter. Criteria: CeGaT Center For Human Genetics Tuebingen Variant Classification Criteria Version 2. Collection method: clinical testing. Allele origin: germline. Affected: yes. Observed: 1 variant allele.
Comment: KMT2C: BS1

Labcorp Genetics (formerly Invitae), Labcorp
Classification: Likely benign. Last evaluated: 2026-01-19. Review status: criteria provided, single submitter. Criteria: Invitae Variant Classification Sherloc (09022015). Collection method: clinical testing. Allele origin: germline.